The following is an entry in ClinVar:

ClinVar aggregate classification (germline): Uncertain significance. Review status: criteria provided, multiple submitters, no conflicts (2 of 4 stars). 5 submissions from 5 submitters: Uncertain significance (5). Last evaluated 2025-06-24.

Conditions:
Marden-Walker syndrome (MWKS). Also called: Connective tissue disorder Marden Walker type. Identifiers: Orphanet 2461, MedGen C0796033, MONDO:0009564, OMIM 248700.
Inborn genetic diseases. Identifiers: MedGen C0950123, MeSH D030342.

Allele frequency attached by ClinVar (database versions not stated): ExAC 0.00010; TOPMed 0.00012.
gnomAD v4.1: 307 of 1,537,494 alleles (0.02%); highest among the groups gnomAD compares: Non-Finnish European, 0.025%; no homozygotes.

Submissions (5):

Ambry Genetics
Classification: Uncertain significance for Inborn genetic diseases. Last evaluated: 2025-06-24. Review status: criteria provided, single submitter. Criteria: Ambry Variant Classification Scheme 2023. Collection method: clinical testing. Allele origin: germline.

Blueprint Genetics
Classification: Uncertain significance. Last evaluated: 2024-10-14. Review status: criteria provided, single submitter. Criteria: ACMG Guidelines, 2015. Collection method: clinical testing. Allele origin: germline.

Labcorp Genetics (formerly Invitae), Labcorp
Classification: Uncertain significance. Last evaluated: 2024-01-29. Review status: criteria provided, single submitter. Criteria: Invitae Variant Classification Sherloc (09022015). Collection method: clinical testing. Allele origin: germline.
Comment: This sequence change replaces arginine, which is basic and polar, with leucine, which is neutral and non-polar, at codon 202 of the PIEZO2 protein (p.Arg202Leu). This variant is present in population databases (rs760374118, gnomAD 0.03%). This variant has not been reported in the literature in individuals affected with PIEZO2-related conditions. ClinVar contains an entry for this variant (Variation ID: 493231). Advanced modeling of protein sequence and biophysical properties (such as structural, functional, and spatial information, amino acid conservation, physicochemical variation, residue mobility, and thermodynamic stability) performed at Invitae indicates that this missense variant is not expected to disrupt PIEZO2 protein function with a negative predictive value of 80%. In summary, the available evidence is currently insufficient to determine the role of this variant in disease. Therefore, it has been classified as a Variant of Uncertain Significance.

Baylor Genetics
Classification: Uncertain significance for Marden-Walker syndrome. Last evaluated: 2019-06-12. Review status: criteria provided, single submitter. Criteria: ACMG Guidelines, 2015. Collection method: clinical testing. Allele origin: unknown. Affected: yes.
Comment: This variant was determined to be of uncertain significance according to ACMG Guidelines, 2015 [PMID:25741868].

CeGaT Center for Human Genetics Tuebingen
Classification: Uncertain significance. Last evaluated: 2018-11-01. Review status: criteria provided, single submitter. Criteria: CeGaT Center For Human Genetics Tuebingen Variant Classification Criteria Version 2. Collection method: clinical testing. Allele origin: germline. Affected: yes. Observed: 1 variant allele.

NM_001378183.1(PIEZO2):c.605G>T (p.Arg202Leu)

Gene: PIEZO2 (piezo type mechanosensitive ion channel component 2; minus strand). Cytogenetic location: 18p11.22.
Variant type: single nucleotide variant.
Coding change: c.605G>T on transcript NM_001378183.1 (MANE Select); coding-DNA position 605, G replaced by T.
Protein change: p.Arg202Leu; replaces arginine 202 with leucine.
Molecular consequence: missense variant.
Genome position (GRCh38, 1-based): chr18:10,857,099, C>A on the plus strand (G>T on the coding strand, the complement: PIEZO2 is on the minus strand). VCF-style: chr18-10857099-C-A. GRCh37 (hg19) VCF-style: chr18-10857097-C-A.
Other names: c.605G>T, p.Arg202Leu (NM_022068.4); short protein forms R202L.
Identifiers: ClinVar variation 493231 (VCV000493231.50), dbSNP rs760374118, ClinGen allele CA8892829.
Genomic context (GRCh38, chr18:10,857,099, plus strand): 5'-GCAGTGGTGATCATGTTGCCAATGAACTCCTTGAGCTTAGAGGCCACAGAGGCAAGCCTG[C>A]GGAACATTTTTAACTTCGTGCTTTCTTCCAACTCGCCTTCAACACCATCTCCTCCATTGA-3'
Protein context (NP_001365112.1, residues 192-212): LEESTKLKMF[Arg202Leu]RLASVASKLK